The following is an entry in ClinVar:

ClinVar aggregate classification (germline): Uncertain significance. Review status: criteria provided, multiple submitters, no conflicts (2 of 4 stars). 4 submissions from 4 submitters: Uncertain significance (4). Last evaluated 2026-07-27.

Conditions:
PCARE-related disorder. Also called: PCARE-related condition.

Allele frequency attached by ClinVar (database versions not stated): TOPMed 0.00005; gnomAD 0.00007; ExAC 0.00014.
gnomAD v4.1: 65 of 1,614,120 alleles (0.004%); highest among the groups gnomAD compares: Admixed American, 0.06%; no homozygotes.

Submissions (4):

PreventionGenetics, part of Exact Sciences
Classification: Uncertain significance for PCARE-related condition. Last evaluated: 2026-07-27. Review status: criteria provided, single submitter. Criteria: ACMG Guidelines, 2015. Collection method: clinical testing. Allele origin: germline.
Comment: The PCARE c.2083G>A variant is predicted to result in the amino acid substitution p.Glu695Lys. To our knowledge, this variant has not been reported in the literature. This variant is reported in 0.090% of alleles in individuals of Latino descent in gnomAD, which may be too frequent to be a primary cause of disease. Although we suspect that this variant may be benign, at this time, the clinical significance of this variant is uncertain due to the absence of conclusive functional and genetic evidence.

Blueprint Genetics
Classification: Uncertain significance. Last evaluated: 2022-12-22. Review status: criteria provided, single submitter. Criteria: ACMG Guidelines, 2015. Collection method: clinical testing. Allele origin: germline.

Labcorp Genetics (formerly Invitae), Labcorp
Classification: Uncertain significance. Last evaluated: 2022-08-16. Review status: criteria provided, single submitter. Criteria: Invitae Variant Classification Sherloc (09022015). Collection method: clinical testing. Allele origin: germline.
Comment: This sequence change replaces glutamic acid, which is acidic and polar, with lysine, which is basic and polar, at codon 695 of the PCARE protein (p.Glu695Lys). This variant is present in population databases (rs769814461, gnomAD 0.09%). This variant has not been reported in the literature in individuals affected with PCARE-related conditions. ClinVar contains an entry for this variant (Variation ID: 498540). Algorithms developed to predict the effect of missense changes on protein structure and function output the following: SIFT: "Tolerated"; PolyPhen-2: "Benign"; Align-GVGD: "Class C0". The lysine amino acid residue is found in multiple mammalian species, which suggests that this missense change does not adversely affect protein function. In summary, the available evidence is currently insufficient to determine the role of this variant in disease. Therefore, it has been classified as a Variant of Uncertain Significance.

Eurofins Ntd Llc (ga)
Classification: Uncertain significance. Last evaluated: 2016-12-16. Review status: criteria provided, single submitter. Criteria: EGL Classification Definitions 2015. Collection method: clinical testing. Allele origin: germline. Observed: 1 variant allele, 1 heterozygote.

NM_001029883.3(PCARE):c.2083G>A (p.Glu695Lys)

Gene: PCARE (photoreceptor cilium actin regulator; minus strand). Cytogenetic location: 2p23.2.
Variant type: single nucleotide variant.
Coding change: c.2083G>A on transcript NM_001029883.3 (MANE Select); coding-DNA position 2083, G replaced by A.
Protein change: p.Glu695Lys; replaces glutamic acid 695 with lysine.
Molecular consequence: missense variant.
Genome position (GRCh38, 1-based): chr2:29,072,179, C>T on the plus strand (G>A on the coding strand, the complement: PCARE is on the minus strand). VCF-style: chr2-29072179-C-T. GRCh37 (hg19) VCF-style: chr2-29295045-C-T.
Other names: short protein forms E695K.
Identifiers: ClinVar variation 498540 (VCV000498540.10), dbSNP rs769814461, ClinGen allele CA1592279.